The following is an entry in ClinVar:

ClinVar aggregate classification (germline): Benign (1 of 4 stars; one submission).

Conditions:
Peutz-Jeghers syndrome (PJS). Also called: POLYPOSIS, HAMARTOMATOUS INTESTINAL; POLYPS-AND-SPOTS SYNDROME; Peutz-Jeghers polyposis; Periorificial lentiginosis syndrome. Identifiers: Orphanet 2869, MedGen C0031269, MeSH D010580, MONDO:0008280, OMIM 175200.

Submission:

Myriad Genetics, Inc.
Classification: Benign for Peutz-Jeghers syndrome. Last evaluated: 2025-03-31. Review status: criteria provided, single submitter. Criteria: Myriad Autosomal Dominant, Autosomal Recessive and X-Linked Classification Criteria (2023). Collection method: clinical testing. Allele origin: unknown.
Comment: This variant is considered benign. This variant occurs in the non-coding 3' untranslated region of the gene, and is not expected to impact protein function.

NM_000455.5(STK11):c.*4_*7del

Gene: STK11 (serine/threonine kinase 11; plus strand). Cytogenetic location: 19p13.3.
Variant type: Deletion.
Coding change: c.*4_*7del on transcript NM_000455.5 (MANE Select); 4 bases downstream of the stop codon through 7 bases downstream of the stop codon, 4 bases deleted (TGGC; older notation c.*4_*7delTGGC).
Molecular consequence: 3 prime UTR variant. On other transcripts: non-coding transcript variant (1).
Genome position (GRCh38, 1-based): chr19:1,226,651-1,226,654, TGGC deleted; deleting any 4 consecutive bases within chr19:1,226,648-1,226,654 gives the same sequence; the c. name uses the placement nearest the transcript's 3' end. VCF-style (leftmost placement, unchanged base first): chr19-1226647-AGGCT-A. GRCh37 (hg19) VCF-style: chr19-1226646-AGGCT-A.
Identifiers: ClinVar variation 3904340 (VCV003904340.1).
Genomic context (GRCh38, chr19:1,226,647, plus strand): 5'-CCGCAAGGCCTGCTCCGCCAGCAGCAAGATCCGCCGGCTGTCGGCCTGCAAGCAGCAGTG[AGGCT>A]GGCCGCCTGCAGGTGGGGCGCGGCGGGGCCCGGGTGGGGCATGTGGGGACAACGCCTGGA-3'